The following is an entry in ClinVar:

ClinVar aggregate classification (germline): Uncertain significance (1 of 4 stars; one submission).

Conditions:
X-linked agammaglobulinemia with growth hormone deficiency (IGHD3). Also called: HYPOGAMMAGLOBULINEMIA AND ISOLATED GROWTH HORMONE DEFICIENCY, X-LINKED; IGHD III; AGAMMAGLOBULINEMIA AND ISOLATED GROWTH HORMONE DEFICIENCY, X-LINKED; FLEISHER SYNDROME; ISOLATED GROWTH HORMONE DEFICIENCY, TYPE III, WITH AGAMMAGLOBULINEMIA; Isolated growth hormone deficiency type 3. Identifiers: Orphanet 231692, Orphanet 631, MedGen C0472813, MONDO:0010615, OMIM 307200.

Submission:

Labcorp Genetics (formerly Invitae), Labcorp
Classification: Uncertain significance for X-linked agammaglobulinemia with growth hormone deficiency. Last evaluated: 2024-02-16. Review status: criteria provided, single submitter. Criteria: Invitae Variant Classification Sherloc (09022015). Collection method: clinical testing. Allele origin: germline.
Comment: This sequence change falls in intron 7 of the BTK gene. It does not directly change the encoded amino acid sequence of the BTK protein. It affects a nucleotide within the consensus splice site. This variant is not present in population databases (gnomAD no frequency). This variant has not been reported in the literature in individuals affected with BTK-related conditions. Variants that disrupt the consensus splice site are a relatively common cause of aberrant splicing (PMID: 17576681, 9536098). Algorithms developed to predict the effect of sequence changes on RNA splicing suggest that this variant is not likely to affect RNA splicing. In summary, the available evidence is currently insufficient to determine the role of this variant in disease. Therefore, it has been classified as a Variant of Uncertain Significance.

Literature cited by the submitters: PubMed 17576681; PubMed 9536098.

NM_000061.3(BTK):c.588+4T>C

Gene: BTK (Bruton tyrosine kinase; minus strand). Cytogenetic location: Xq22.1.
Variant type: single nucleotide variant.
Coding change: c.588+4T>C on transcript NM_000061.3 (MANE Select); 4 bases into the intron after coding-DNA position 588, T replaced by C.
Molecular consequence: intron variant.
Genome position (GRCh38, 1-based): chrX:101,362,169, A>G on the plus strand (T>C on the coding strand, the complement: BTK is on the minus strand). VCF-style: chrX-101362169-A-G. GRCh37 (hg19) VCF-style: chrX-100617157-A-G.
Other names: c.690+4T>C (NM_001287344.2); c.588+4T>C (NM_001287345.2).
Identifiers: ClinVar variation 3641424 (VCV003641424.2).